The following is an entry in ClinVar:

NM_024426.6(WT1):c.141G>C (p.Lys47Asn)

Genes: WT1 (WT1 transcription factor; minus strand), LOC107982234 (WT1/WT1-AS bi-directional promoter region; plus strand). Cytogenetic location: 11p13.
Variant type: single nucleotide variant.
Coding change: c.141G>C on transcript NM_024426.6 (MANE Select); coding-DNA position 141, G replaced by C.
Protein change: p.Lys47Asn; replaces lysine 47 with asparagine.
Molecular consequence: missense variant. On other transcripts: 5 prime UTR variant (4), non-coding transcript variant (2).
Genome position (GRCh38, 1-based): chr11:32,435,220, C>G on the plus strand (G>C on the coding strand, the complement: WT1 is on the minus strand). VCF-style: chr11-32435220-C-G. GRCh37 (hg19) VCF-style: chr11-32456766-C-G.
Other names: c.141G>C, p.Lys47Asn (NM_000378.6, NM_001407044.1, NM_001407045.1 and 6 more transcripts); c.-79G>C (NM_001429031.1, NM_001429032.1, NM_001429033.1 and 1 more transcripts); short protein forms K42N, K47N.
Identifiers: ClinVar variation 4866797 (VCV004866797.1).

ClinVar aggregate classification (germline): Uncertain significance (1 of 4 stars; one submission).

Conditions:
Inborn genetic diseases. Identifiers: MedGen C0950123, MeSH D030342.

Submission:

Ambry Genetics
Classification: Uncertain significance for Inborn genetic diseases. Last evaluated: 2026-04-20. Review status: criteria provided, single submitter. Criteria: Ambry Variant Classification Scheme 2023. Collection method: clinical testing. Allele origin: germline.
Comment: The p.K42N variant (also known as c.126G>C), located in coding exon 1 of the WT1 gene, results from a G to C substitution at nucleotide position 126. The lysine at codon 42 is replaced by asparagine, an amino acid with similar properties. This amino acid position is conserved. In addition, this alteration is predicted to be tolerated by in silico analysis. Based on the available evidence, the clinical significance of this variant remains unclear.